The following is an entry in ClinVar:

NM_004360.5(CDH1):c.1219C>G (p.Pro407Ala)

Gene: CDH1 (cadherin 1; plus strand). Cytogenetic location: 16q22.1.
Variant type: single nucleotide variant.
Coding change: c.1219C>G on transcript NM_004360.5 (MANE Select); coding-DNA position 1219, C replaced by G.
Protein change: p.Pro407Ala; replaces proline 407 with alanine.
Molecular consequence: missense variant. On other transcripts: 5 prime UTR variant (2), intron variant (1).
Genome position (GRCh38, 1-based): chr16:68,813,394, C>G. VCF-style: chr16-68813394-C-G. GRCh37 (hg19) VCF-style: chr16-68847297-C-G.
Other names: c.-397C>G (NM_001317185.2); c.-601C>G (NM_001317186.2); c.1137+1131C>G (NM_001317184.2); short protein forms P407A.
Identifiers: ClinVar variation 1504485 (VCV001504485.6), dbSNP rs2152133456, ClinGen allele CA396461364.

ClinVar aggregate classification (germline): Uncertain significance (1 of 4 stars; one submission).

Conditions:
Hereditary diffuse gastric adenocarcinoma (HDGC). Also called: DIFFUSE GASTRIC AND LOBULAR BREAST CANCER SYNDROME. Identifiers: Orphanet 26106, MedGen C1708349, MONDO:0007648, OMIM 137215.

Submission:

Labcorp Genetics (formerly Invitae), Labcorp
Classification: Uncertain significance for Hereditary diffuse gastric adenocarcinoma. Last evaluated: 2021-08-19. Review status: criteria provided, single submitter. Criteria: Invitae Variant Classification Sherloc (09022015). Collection method: clinical testing. Allele origin: germline.
Comment: In summary, the available evidence is currently insufficient to determine the role of this variant in disease. Therefore, it has been classified as a Variant of Uncertain Significance. Algorithms developed to predict the effect of missense changes on protein structure and function (SIFT, PolyPhen-2, Align-GVGD) all suggest that this variant is likely to be tolerated. This variant has not been reported in the literature in individuals affected with CDH1-related conditions. This variant is not present in population databases (ExAC no frequency). This sequence change replaces proline with alanine at codon 407 of the CDH1 protein (p.Pro407Ala). The proline residue is moderately conserved and there is a small physicochemical difference between proline and alanine.